The following is an entry in ClinVar:

NM_001290060.2(SEMA3B):c.1968T>G (p.Arg656=)

Gene: SEMA3B (semaphorin 3B; plus strand). Cytogenetic location: 3p21.31.
Variant type: single nucleotide variant.
Coding change: c.1968T>G on transcript NM_001290060.2 (MANE Select); coding-DNA position 1968, T replaced by G.
Protein change: p.Arg656=; no amino-acid change (arginine 656 retained).
Molecular consequence: synonymous variant. On other transcripts: non-coding transcript variant (1).
Genome position (GRCh38, 1-based): chr3:50,276,424, T>G. VCF-style: chr3-50276424-T-G. GRCh37 (hg19) VCF-style: chr3-50313855-T-G.
Other names: c.1965T>G, p.Arg655= (NM_001005914.3, NM_001435957.1, NM_001435958.1); c.1983T>G, p.Arg661= (NM_001290061.1); c.939T>G, p.Arg313= (NM_001290062.2, NM_001290063.2); c.1968T>G, p.Arg656= (NM_001435956.1, NM_004636.4).
Identifiers: ClinVar variation 4984029 (VCV004984029.1).

ClinVar aggregate classification (germline): Likely benign (1 of 4 stars; one submission).

Conditions:
SEMA3B-related disorder. Also called: SEMA3B-related condition.

gnomAD v4.1: 1 of 1,536,296 alleles (0.000065%); highest among the groups gnomAD compares: African/African-American, 0.0014%; no homozygotes.

Submission:

PreventionGenetics, part of Exact Sciences
Classification: Likely benign for SEMA3B-related condition. Last evaluated: 2026-07-02. Review status: criteria provided, single submitter. Criteria: ACMG Guidelines, 2015. Collection method: clinical testing. Allele origin: germline.
Comment: This variant is classified as likely benign based on ACMG/AMP sequence variant interpretation guidelines (Richards et al. 2015 PMID: 25741868, with internal and published modifications).